The following is an entry in ClinVar:

ClinVar aggregate classification (germline): Uncertain significance (1 of 4 stars; one submission).

Allele frequency attached by ClinVar (database versions not stated): gnomAD exomes below 0.00001; gnomAD 0.00001.
gnomAD v4.1: 4 of 1,554,142 alleles (0.00026%); highest among the groups gnomAD compares: Non-Finnish European, 0.00035%; no homozygotes.

Submission:

CeGaT Center for Human Genetics Tuebingen
Classification: Uncertain significance. Last evaluated: 2022-04-01. Review status: criteria provided, single submitter. Criteria: CeGaT Center For Human Genetics Tuebingen Variant Classification Criteria Version 2. Collection method: clinical testing. Allele origin: germline. Affected: yes. Observed: 1 variant allele.
Comment: NBEA: PP2

NM_001385012.1(NBEA):c.5642A>G (p.Asn1881Ser)

Gene: NBEA (neurobeachin; plus strand). Cytogenetic location: 13q13.3.
Variant type: single nucleotide variant.
Coding change: c.5642A>G on transcript NM_001385012.1 (MANE Select); coding-DNA position 5642, A replaced by G.
Protein change: p.Asn1881Ser; replaces asparagine 1881 with serine.
Molecular consequence: missense variant.
Genome position (GRCh38, 1-based): chr13:35,211,173, A>G. VCF-style: chr13-35211173-A-G. GRCh37 (hg19) VCF-style: chr13-35785310-A-G.
Other names: c.5633A>G, p.Asn1878Ser (NM_001379245.1); c.5642A>G, p.Asn1881Ser (NM_015678.5); short protein forms N1878S, N1881S.
Identifiers: ClinVar variation 1694702 (VCV001694702.31), dbSNP rs1038135514, ClinGen allele CA248097025.